The following is an entry in ClinVar:

NM_001291303.3(FAT4):c.10390A>G (p.Ile3464Val)

Gene: FAT4 (FAT atypical cadherin 4; plus strand). Cytogenetic location: 4q28.1.
Variant type: single nucleotide variant.
Coding change: c.10390A>G on transcript NM_001291303.3 (MANE Select); coding-DNA position 10390, A replaced by G.
Protein change: p.Ile3464Val; replaces isoleucine 3464 with valine.
Molecular consequence: missense variant.
Genome position (GRCh38, 1-based): chr4:125,451,400, A>G. VCF-style: chr4-125451400-A-G. GRCh37 (hg19) VCF-style: chr4-126372555-A-G.
Other names: c.10390A>G, p.Ile3464Val (NM_001291285.3); c.10384A>G, p.Ile3462Val (NM_024582.6); short protein forms I3464V, I3462V.
Identifiers: ClinVar variation 679019 (VCV000679019.63), dbSNP rs147872710, ClinGen allele CA3073682.

ClinVar aggregate classification (germline): Likely benign. Review status: criteria provided, multiple submitters, no conflicts (2 of 4 stars). 8 submissions from 8 submitters: Likely benign (5). 3 of the submissions do not count toward it. Last evaluated 2026-02-01.

Conditions:
FAT4-related disorder. Also called: FAT4-related condition.

Allele frequency attached by ClinVar (database versions not stated): 1000 Genomes Project 0.00100; 1000 Genomes Project 30x 0.00109; gnomAD exomes 0.00200 and 0.00335; TOPMed 0.00211; ExAC 0.00215; gnomAD 0.00228 and 0.00237; ESP Exome Variant Server 0.00346.
gnomAD v4.1: 5,247 of 1,614,158 alleles (0.33%); highest among the groups gnomAD compares: Non-Finnish European, 0.4%; 9 homozygotes.

Submissions (15):

Labcorp Genetics (formerly Invitae), Labcorp
Classification: Likely benign. Last evaluated: 2026-02-01. Review status: criteria provided, single submitter. Criteria: Invitae Variant Classification Sherloc (09022015). Collection method: clinical testing. Allele origin: germline.

Blueprint Genetics
Classification: Likely benign. Last evaluated: 2024-11-26. Review status: criteria provided, single submitter. Criteria: ACMG Guidelines, 2015. Collection method: clinical testing. Allele origin: germline.

GeneDx
Classification: Likely benign. Last evaluated: 2024-05-14. Review status: criteria provided, single submitter. Criteria: GeneDx Variant Classification Process June 2021. Collection method: clinical testing. Allele origin: germline. Affected: yes.
Comment: See Variant Classification Assertion Criteria.

CeGaT Center for Human Genetics Tuebingen
Classification: Likely benign. Last evaluated: 2024-02-01. Review status: criteria provided, single submitter. Criteria: CeGaT Center For Human Genetics Tuebingen Variant Classification Criteria Version 2. Collection method: clinical testing. Allele origin: germline. Affected: yes. Observed: 3 variant alleles.
Comment: FAT4: BS1

ARUP Laboratories, Molecular Genetics and Genomics, ARUP Laboratories
Classification: Likely benign. Last evaluated: 2022-06-26. Review status: criteria provided, single submitter. Criteria: ARUP Molecular Germline Variant Investigation Process 2021. Collection method: clinical testing. Allele origin: germline.

PreventionGenetics, part of Exact Sciences
Classification: Likely benign for FAT4-related condition. Last evaluated: 2022-03-22. Review status: no assertion criteria provided. Collection method: clinical testing. Allele origin: germline. Not counted in ClinVar's aggregate classification.
Comment: This variant is classified as likely benign based on ACMG/AMP sequence variant interpretation guidelines (Richards et al. 2015 PMID: 25741868, with internal and published modifications).

Clinical Genetics, Academic Medical Center
Classification: Likely benign. Review status: no assertion criteria provided. Collection method: clinical testing. Allele origin: germline. Affected: yes. Study: VKGL Data-share Consensus. Not counted in ClinVar's aggregate classification.

Dr. Peter K. Rogan Lab, Western University
No classification provided (evidence only). Condition: Malignant tumor of urinary bladder. Review status: no classification provided. Collection method: in vitro. Allele origin: not applicable. Functional consequence: retained intron. Not counted in ClinVar's aggregate classification.

Dr. Peter K. Rogan Lab, Western University
No classification provided (evidence only). Condition: Lung cancer. Review status: no classification provided. Collection method: in vitro. Allele origin: not applicable. Functional consequence: retained intron. Not counted in ClinVar's aggregate classification.

Dr. Peter K. Rogan Lab, Western University
No classification provided (evidence only). Condition: Familial cancer of breast. Review status: no classification provided. Collection method: in vitro. Allele origin: not applicable. Functional consequence: retained intron. Not counted in ClinVar's aggregate classification.

Dr. Peter K. Rogan Lab, Western University
No classification provided (evidence only). Condition: Thyroid cancer, nonmedullary, 1. Review status: no classification provided. Collection method: in vitro. Allele origin: not applicable. Functional consequence: retained intron. Not counted in ClinVar's aggregate classification.

Dr. Peter K. Rogan Lab, Western University
No classification provided (evidence only). Condition: Thyroid cancer, nonmedullary, 1. Review status: no classification provided. Collection method: in vitro. Allele origin: not applicable. Functional consequence: retained intron. Not counted in ClinVar's aggregate classification.

Dr. Peter K. Rogan Lab, Western University
No classification provided (evidence only). Condition: Cervical cancer. Review status: no classification provided. Collection method: in vitro. Allele origin: not applicable. Functional consequence: retained intron. Not counted in ClinVar's aggregate classification.

Dr. Peter K. Rogan Lab, Western University
No classification provided (evidence only). Condition: Hepatocellular carcinoma. Review status: no classification provided. Collection method: in vitro. Allele origin: not applicable. Functional consequence: retained intron. Not counted in ClinVar's aggregate classification.

Genome Diagnostics Laboratory, University Medical Center Utrecht
Classification: Likely benign. Review status: no assertion criteria provided. Collection method: clinical testing. Allele origin: germline. Affected: yes. Study: VKGL Data-share Consensus. Not counted in ClinVar's aggregate classification.